The following is an entry in ClinVar:

ClinVar aggregate classification (germline): Uncertain significance (1 of 4 stars; one submission).

Conditions:
Hereditary breast ovarian cancer syndrome. Also called: Breast and ovarian cancer; BRCA1- and BRCA2-Associated Hereditary Breast and Ovarian Cancer; Hereditary breast and ovarian cancer; Hereditary breast and ovarian cancer syndrome (HBOC); Hereditary breast and/or ovarian cancer syndrome; Hereditary breast and ovarian cancer syndrome. Identifiers: Orphanet 145, MedGen C0677776, MeSH D061325, MONDO:0003582. Disease mechanism: loss of function.

Submission:

Labcorp Genetics (formerly Invitae), Labcorp
Classification: Uncertain significance for Hereditary breast ovarian cancer syndrome. Last evaluated: 2019-11-20. Review status: criteria provided, single submitter. Criteria: Invitae Variant Classification Sherloc (09022015). Collection method: clinical testing. Allele origin: germline.
Comment: In summary, the available evidence is currently insufficient to determine the role of this variant in disease. Therefore, it has been classified as a Variant of Uncertain Significance. Algorithms developed to predict the effect of missense changes on protein structure and function (SIFT, PolyPhen-2, Align-GVGD) all suggest that this variant is likely to be tolerated, but these predictions have not been confirmed by published functional studies and their clinical significance is uncertain. This variant has not been reported in the literature in individuals with BRCA2-related conditions. This variant is not present in population databases (ExAC no frequency). This sequence change replaces isoleucine with phenylalanine at codon 3391 of the BRCA2 protein (p.Ile3391Phe). The isoleucine residue is weakly conserved and there is a small physicochemical difference between isoleucine and phenylalanine.

NM_000059.4(BRCA2):c.10171A>T (p.Ile3391Phe)

Gene: BRCA2 (BRCA2 DNA repair associated; plus strand). Cytogenetic location: 13q13.1.
Variant type: single nucleotide variant.
Coding change: c.10171A>T on transcript NM_000059.4 (MANE Select); coding-DNA position 10171, A replaced by T.
Protein change: p.Ile3391Phe; replaces isoleucine 3391 with phenylalanine.
Molecular consequence: missense variant.
Genome position (GRCh38, 1-based): chr13:32,398,684, A>T. VCF-style: chr13-32398684-A-T. GRCh37 (hg19) VCF-style: chr13-32972821-A-T.
Other names: short protein forms I3391F.
Identifiers: ClinVar variation 858714 (VCV000858714.10), dbSNP rs778147500, ClinGen allele CA387768237.